The following is an entry in ClinVar:

NM_000540.3(RYR1):c.9373G>A (p.Val3125Met)

Gene: RYR1 (ryanodine receptor 1; plus strand). Cytogenetic location: 19q13.2.
Variant type: single nucleotide variant.
Coding change: c.9373G>A on transcript NM_000540.3 (MANE Select); coding-DNA position 9373, G replaced by A.
Protein change: p.Val3125Met; replaces valine 3125 with methionine.
Molecular consequence: missense variant.
Genome position (GRCh38, 1-based): chr19:38,512,384, G>A. VCF-style: chr19-38512384-G-A. GRCh37 (hg19) VCF-style: chr19-39003024-G-A.
Other names: c.9373G>A, p.Val3125Met (NM_001042723.2); short protein forms V3125M.
Identifiers: ClinVar variation 2197817 (VCV002197817.2), dbSNP rs1453799659, ClinGen allele CA405687219.

ClinVar aggregate classification (germline): Uncertain significance. Review status: criteria provided, multiple submitters, no conflicts (2 of 4 stars). 2 submissions from 2 submitters: Uncertain significance (2). Last evaluated 2026-08-05.

Conditions:
Inborn genetic diseases. Identifiers: MedGen C0950123, MeSH D030342.
RYR1-related disorder. Also called: RYR1-related condition; RYR1-related disorders. Identifiers: MedGen CN239331.

Allele frequency attached by ClinVar (database versions not stated): gnomAD exomes 0.00001; TOPMed below 0.00001; gnomAD 0.00001.
gnomAD v4.1: 8 of 1,613,902 alleles (0.0005%); highest among the groups gnomAD compares: East Asian, 0.0045%; no homozygotes.

Submissions (2):

Ambry Genetics
Classification: Uncertain significance for Inborn genetic diseases. Last evaluated: 2026-08-05. Review status: criteria provided, single submitter. Criteria: Ambry Variant Classification Scheme 2023. Collection method: clinical testing. Allele origin: germline.
Comment: The c.9373G>A (p.V3125M) alteration is located in exon 63 (coding exon 63) of the RYR1 gene. This alteration results from a G to A substitution at nucleotide position 9373, causing the valine (V) at amino acid position 3125 to be replaced by a methionine (M). Based on data from gnomAD, the A allele has an overall frequency of <0.001% (1/251014) total alleles studied. The highest observed frequency was 0.005% (1/18386) of East Asian alleles. Based on insufficient or conflicting evidence, the clinical significance of this alteration remains unclear.

Labcorp Genetics (formerly Invitae), Labcorp
Classification: Uncertain significance for RYR1-related disorder. Last evaluated: 2022-09-22. Review status: criteria provided, single submitter. Criteria: Invitae Variant Classification Sherloc (09022015). Collection method: clinical testing. Allele origin: germline.
Comment: This sequence change replaces valine, which is neutral and non-polar, with methionine, which is neutral and non-polar, at codon 3125 of the RYR1 protein (p.Val3125Met). This variant is present in population databases (no rsID available, gnomAD 0.006%). This variant has not been reported in the literature in individuals affected with RYR1-related conditions. Advanced modeling of protein sequence and biophysical properties (such as structural, functional, and spatial information, amino acid conservation, physicochemical variation, residue mobility, and thermodynamic stability) has been performed at Invitae for this missense variant, however the output from this modeling did not meet the statistical confidence thresholds required to predict the impact of this variant on RYR1 protein function. In summary, the available evidence is currently insufficient to determine the role of this variant in disease. Therefore, it has been classified as a Variant of Uncertain Significance.